The following is an entry in ClinVar:

NM_000629.3(IFNAR1):c.464T>G (p.Met155Arg)

Gene: IFNAR1 (interferon alpha and beta receptor subunit 1; plus strand). Cytogenetic location: 21q22.11.
Variant type: single nucleotide variant.
Coding change: c.464T>G on transcript NM_000629.3 (MANE Select); coding-DNA position 464, T replaced by G.
Protein change: p.Met155Arg; replaces methionine 155 with arginine.
Molecular consequence: missense variant. On other transcripts: 5 prime UTR variant (1), initiator codon variant (1).
Genome position (GRCh38, 1-based): chr21:33,343,355, T>G. VCF-style: chr21-33343355-T-G. GRCh37 (hg19) VCF-style: chr21-34715661-T-G.
Other names: c.464T>G, p.Met155Arg (NM_001384498.1, NM_001384499.1, NM_001384501.1 and 1 more transcripts); c.-323T>G (NM_001384500.1); c.2T>G, p.Met1Arg (NM_001384502.1); c.257T>G, p.Met86Arg (NM_001384504.1); short protein forms M155R, M1R, M86R.
Identifiers: ClinVar variation 1720249 (VCV001720249.6), dbSNP rs2516871552, ClinGen allele CA410107364.

ClinVar aggregate classification (germline): Uncertain significance (1 of 4 stars; one submission).

Submission:

Labcorp Genetics (formerly Invitae), Labcorp
Classification: Uncertain significance. Last evaluated: 2022-07-20. Review status: criteria provided, single submitter. Criteria: Invitae Variant Classification Sherloc (09022015). Collection method: clinical testing. Allele origin: germline.
Comment: In summary, the available evidence is currently insufficient to determine the role of this variant in disease. Therefore, it has been classified as a Variant of Uncertain Significance. Algorithms developed to predict the effect of sequence changes on RNA splicing suggest that this variant may disrupt the consensus splice site. Algorithms developed to predict the effect of missense changes on protein structure and function are either unavailable or do not agree on the potential impact of this missense change (SIFT: "Deleterious"; PolyPhen-2: "Probably Damaging"; Align-GVGD: "Class C0"). This variant has not been reported in the literature in individuals affected with IFNAR1-related conditions. This variant is not present in population databases (gnomAD no frequency). This sequence change replaces methionine, which is neutral and non-polar, with arginine, which is basic and polar, at codon 155 of the IFNAR1 protein (p.Met155Arg).